The following is an entry in ClinVar:

ClinVar aggregate classification (germline): Uncertain significance. Review status: criteria provided, multiple submitters, no conflicts (2 of 4 stars). 4 submissions from 4 submitters: Uncertain significance (4). Last evaluated 2026-01-27.

Conditions:
Inborn genetic diseases. Identifiers: MedGen C0950123, MeSH D030342.
Neuropathy, hereditary sensory and autonomic, type 1C. Also called: HSAN IC; HSN IC. Identifiers: Orphanet 36386, MedGen C3150896, MONDO:0013337, OMIM 613640.

Allele frequency attached by ClinVar (database versions not stated): ExAC 0.00002; gnomAD exomes 0.00003 and 0.00011; gnomAD 0.00006 and 0.00007; TOPMed 0.00006; ESP Exome Variant Server 0.00008; 1000 Genomes Project 30x 0.00016; 1000 Genomes Project 0.00020.
gnomAD v4.1: 177 of 1,614,082 alleles (0.011%); highest among the groups gnomAD compares: Non-Finnish European, 0.013%; no homozygotes.

Submissions (4):

Labcorp Genetics (formerly Invitae), Labcorp
Classification: Uncertain significance for Neuropathy, hereditary sensory and autonomic, type 1C. Last evaluated: 2026-01-27. Review status: criteria provided, single submitter. Criteria: Invitae Variant Classification Sherloc (09022015). Collection method: clinical testing. Allele origin: germline.
Comment: This sequence change replaces arginine, which is basic and polar, with histidine, which is basic and polar, at codon 326 of the SPTLC2 protein (p.Arg326His). This variant is present in population databases (rs116822112, gnomAD 0.005%). This variant has not been reported in the literature in individuals affected with SPTLC2-related conditions. ClinVar contains an entry for this variant (Variation ID: 579155). Invitae Evidence Modeling of protein sequence and biophysical properties (such as structural, functional, and spatial information, amino acid conservation, physicochemical variation, residue mobility, and thermodynamic stability) has been performed for this missense variant. However, the output from this modeling did not meet the statistical confidence thresholds required to predict the impact of this variant on SPTLC2 protein function. In summary, the available evidence is currently insufficient to determine the role of this variant in disease. Therefore, it has been classified as a Variant of Uncertain Significance.

Mayo Clinic Laboratories, Mayo Clinic
Classification: Uncertain significance. Last evaluated: 2025-08-25. Review status: criteria provided, single submitter. Criteria: ACMG Guidelines, 2015. Collection method: clinical testing. Allele origin: germline. Observed: 1 variant allele.
Comment: BS2

Ambry Genetics
Classification: Uncertain significance for Inborn genetic diseases. Last evaluated: 2025-05-20. Review status: criteria provided, single submitter. Criteria: Ambry Variant Classification Scheme 2023. Collection method: clinical testing. Allele origin: germline.

ARUP Laboratories, Molecular Genetics and Genomics, ARUP Laboratories
Classification: Uncertain significance for Neuropathy, hereditary sensory and autonomic, type 1C. Last evaluated: 2022-02-05. Review status: criteria provided, single submitter. Criteria: ARUP Molecular Germline Variant Investigation Process 2021. Collection method: clinical testing. Allele origin: germline.
Comment: The SPTLC2 c.977G>A; p.Arg326His variant (rs116822112), to our knowledge, is not reported in the medical literature but is reported in ClinVar (Variation ID: 579155). This variant is found in the non-Finnish European population with an allele frequency of 0.0053% (6/113,698 alleles) in the Genome Aggregation Database. The arginine at codon 326 is moderately conserved, and computational analyses are uncertain whether this variant is neutral or deleterious (REVEL: 0.565). Due to limited information, the clinical significance of this variant is uncertain at this time.

NM_004863.4(SPTLC2):c.977G>A (p.Arg326His)

Gene: SPTLC2 (serine palmitoyltransferase long chain base subunit 2; minus strand). Cytogenetic location: 14q24.3.
Variant type: single nucleotide variant.
Coding change: c.977G>A on transcript NM_004863.4 (MANE Select); coding-DNA position 977, G replaced by A.
Protein change: p.Arg326His; replaces arginine 326 with histidine.
Molecular consequence: missense variant.
Genome position (GRCh38, 1-based): chr14:77,555,499, C>T on the plus strand (G>A on the coding strand, the complement: SPTLC2 is on the minus strand). VCF-style: chr14-77555499-C-T. GRCh37 (hg19) VCF-style: chr14-78021842-C-T.
Other names: p.Arg326His; short protein forms R326H.
Identifiers: ClinVar variation 579155 (VCV000579155.21), dbSNP rs116822112, ClinGen allele CA7289302.